The following is an entry in ClinVar:

ClinVar aggregate classification (germline): Uncertain significance (1 of 4 stars; one submission).

Conditions:
Cryptosporidiosis-chronic cholangitis-liver disease syndrome. Also called: IL21R immunodeficiency; Immunodeficiency type 56. Identifiers: Orphanet 357329, MedGen C3554687, MONDO:0014082, OMIM 615207.

Allele frequency attached by ClinVar (database versions not stated): TOPMed below 0.00001; ExAC 0.00001; gnomAD 0.00001; gnomAD exomes 0.00001.
gnomAD v4.1: 9 of 1,613,222 alleles (0.00056%); highest among the groups gnomAD compares: South Asian, 0.0077%; no homozygotes.

Submission:

Labcorp Genetics (formerly Invitae), Labcorp
Classification: Uncertain significance for Cryptosporidiosis-chronic cholangitis-liver disease syndrome. Last evaluated: 2023-06-03. Review status: criteria provided, single submitter. Criteria: Invitae Variant Classification Sherloc (09022015). Collection method: clinical testing. Allele origin: germline.
Comment: Advanced modeling of protein sequence and biophysical properties (such as structural, functional, and spatial information, amino acid conservation, physicochemical variation, residue mobility, and thermodynamic stability) performed at Invitae indicates that this missense variant is not expected to disrupt IL21R protein function. In summary, the available evidence is currently insufficient to determine the role of this variant in disease. Therefore, it has been classified as a Variant of Uncertain Significance. This variant has not been reported in the literature in individuals affected with IL21R-related conditions. This sequence change replaces proline, which is neutral and non-polar, with leucine, which is neutral and non-polar, at codon 349 of the IL21R protein (p.Pro349Leu). This variant is present in population databases (rs767216756, gnomAD 0.003%).

NM_181078.3(IL21R):c.1046C>T (p.Pro349Leu)

Genes: IL21R (interleukin 21 receptor; plus strand), IL21R-AS1 (IL21R antisense RNA 1; minus strand). Cytogenetic location: 16p12.1.
Variant type: single nucleotide variant.
Coding change: c.1046C>T on transcript NM_181078.3 (MANE Select); coding-DNA position 1046, C replaced by T.
Protein change: p.Pro349Leu; replaces proline 349 with leucine.
Molecular consequence: missense variant. On other transcripts: non-coding transcript variant (1).
Genome position (GRCh38, 1-based): chr16:27,448,712, C>T. VCF-style: chr16-27448712-C-T. GRCh37 (hg19) VCF-style: chr16-27460033-C-T.
Other names: c.1046C>T, p.Pro349Leu (NM_021798.4); c.1112C>T, p.Pro371Leu (NM_181079.5); short protein forms P349L, P371L.
Identifiers: ClinVar variation 2785244 (VCV002785244.3), dbSNP rs767216756, ClinGen allele CA7975136.